The following is an entry in ClinVar:

ClinVar aggregate classification (germline): Pathogenic. Review status: criteria provided, multiple submitters, no conflicts (2 of 4 stars). 2 submissions from 2 submitters: Pathogenic (2). Last evaluated 2026-03-11.

Conditions:
COL17A1-related disorder. Also called: COL17A1-related condition.

Allele frequency attached by ClinVar (database versions not stated): TOPMed below 0.00001; gnomAD 0.00001; gnomAD exomes 0.00001; ExAC 0.00003.
gnomAD v4.1: 15 of 1,613,892 alleles (0.00093%); highest among the groups gnomAD compares: Admixed American, 0.0017%; no homozygotes.

Submissions (2):

PreventionGenetics, part of Exact Sciences
Classification: Pathogenic for COL17A1-related condition. Last evaluated: 2026-03-11. Review status: criteria provided, single submitter. Criteria: ACMG Guidelines, 2015. Collection method: clinical testing. Allele origin: germline.
Comment: The COL17A1 c.3505C>T variant is predicted to result in premature protein termination (p.Arg1169*). This variant has been reported in the homozygous or compound heterozygous state in individuals with junctional epidermolysis bullosa (see, for example, Varki et al. 2006. PubMed ID: 16473856; Hérissé et al. 2021. PubMed ID: 33393081; Kiritsi et al. 2011. PubMed ID: 21357940). This variant is reported in 0.0029% of alleles in individuals of Latino descent in gnomAD. Nonsense variants in COL17A1 are expected to be pathogenic. This variant is interpreted as pathogenic.

Labcorp Genetics (formerly Invitae), Labcorp
Classification: Pathogenic. Last evaluated: 2023-03-27. Review status: criteria provided, single submitter. Criteria: Invitae Variant Classification Sherloc (09022015). Collection method: clinical testing. Allele origin: germline.
Comment: For these reasons, this variant has been classified as Pathogenic. This premature translational stop signal has been observed in individual(s) with COL17A1-related conditions (PMID: 16473856, 33393081). This variant is present in population databases (rs757055217, gnomAD 0.003%). This sequence change creates a premature translational stop signal (p.Arg1169*) in the COL17A1 gene. It is expected to result in an absent or disrupted protein product. Loss-of-function variants in COL17A1 are known to be pathogenic (PMID: 16473856, 17344927, 20301304, 21357940, 24319098).

Literature cited by the submitters: PubMed 16473856 (cited by Labcorp Genetics (formerly Invitae), Labcorp); PubMed 33393081 (cited by Labcorp Genetics (formerly Invitae), Labcorp); PubMed 17344927 (cited by Labcorp Genetics (formerly Invitae), Labcorp); PubMed 20301304 (cited by Labcorp Genetics (formerly Invitae), Labcorp); PubMed 21357940 (cited by Labcorp Genetics (formerly Invitae), Labcorp); PubMed 24319098 (cited by Labcorp Genetics (formerly Invitae), Labcorp).

NM_000494.4(COL17A1):c.3505C>T (p.Arg1169Ter)

Gene: COL17A1 (collagen type XVII alpha 1 chain; minus strand). Cytogenetic location: 10q25.1.
Variant type: single nucleotide variant.
Coding change: c.3505C>T on transcript NM_000494.4 (MANE Select); coding-DNA position 3505, C replaced by T.
Protein change: p.Arg1169Ter; replaces arginine 1169 with a stop codon.
Molecular consequence: nonsense.
Genome position (GRCh38, 1-based): chr10:104,035,477, G>A on the plus strand (C>T on the coding strand, the complement: COL17A1 is on the minus strand). VCF-style: chr10-104035477-G-A. GRCh37 (hg19) VCF-style: chr10-105795235-G-A.
Other names: c.3505C>T (NM_000494.3); short protein forms R1169*.
Identifiers: ClinVar variation 2735481 (VCV002735481.4), dbSNP rs757055217, ClinGen allele CA5677951.